The following is an entry in ClinVar:

ClinVar aggregate classification (germline): Likely pathogenic (1 of 4 stars; one submission).

Conditions:
Fetal akinesia deformation sequence. Identifiers: MedGen CN263240, MONDO:0008824.

Submission:

Clinical Genetics Laboratory, Skane University Hospital Lund
Classification: Likely pathogenic for Fetal akinesia deformation sequence. Last evaluated: 2026-02-10. Review status: criteria provided, single submitter. Criteria: ACMG Guidelines, 2015. Collection method: clinical testing. Allele origin: germline. Inheritance: Autosomal recessive inheritance. Affected: yes.
Comment: ACMG criteria used: PM2, PM3, PM4_Supporting and PP1_Moderate.

NM_198576.4(AGRN):c.154GAG[1] (p.Glu53del)

Gene: AGRN (agrin; plus strand). Cytogenetic location: 1p36.33.
Variant type: Microsatellite.
Coding change: c.154GAG[1] on transcript NM_198576.4 (MANE Select); one copy of the 3-base unit GAG starting at c.154; the reference has two copies in a row; one copy, 3 bases deleted; also written c.157_159del.
Protein change: p.Glu53del; deletes glutamic acid 53.
Genome position (GRCh38, 1-based): chr1:1,020,329-1,020,331, GAG deleted; deleting any 3 consecutive bases within chr1:1,020,325-1,020,331 gives the same sequence; the position shown is the placement nearest the transcript's 3' end. VCF-style (leftmost placement, unchanged base first): chr1-1020324-TGGA-T. GRCh37 (hg19) VCF-style: chr1-955704-TGGA-T.
Other names: c.157_159del (NM_198576.4); c.154GAG[1], p.Glu53del (NM_001305275.2); short protein forms E53del.
Identifiers: ClinVar variation 4755575 (VCV004755575.1).